The following is an entry in ClinVar:

ClinVar aggregate classification (germline): Pathogenic (1 of 4 stars; one submission).

Conditions:
Polyglandular autoimmune syndrome, type 1 (APS1). Also called: PGA I; Autoimmune polyendocrine syndrome type 1; Autoimmune polyendocrinopathy syndrome, type I; AUTOIMMUNE POLYENDOCRINE SYNDROME, TYPE I, WITH OR WITHOUT REVERSIBLE METAPHYSEAL DYSPLASIA; Whitaker syndrome; Autoimmune polyendocrinopathy syndrome , type I, with or without reversible metaphyseal dysplasia. Identifiers: Orphanet 3453, MedGen C0085859, MONDO:0009411, OMIM 240300.

Submission:

Labcorp Genetics (formerly Invitae), Labcorp
Classification: Pathogenic for Polyglandular autoimmune syndrome, type 1. Last evaluated: 2022-06-29. Review status: criteria provided, single submitter. Criteria: Invitae Variant Classification Sherloc (09022015). Collection method: clinical testing. Allele origin: germline.
Comment: For these reasons, this variant has been classified as Pathogenic. Algorithms developed to predict the effect of sequence changes on RNA splicing suggest that this variant may disrupt the consensus splice site. This variant has not been reported in the literature in individuals affected with AIRE-related conditions. This variant is not present in population databases (gnomAD no frequency). This sequence change creates a premature translational stop signal (p.Gly180Aspfs*36) in the AIRE gene. It is expected to result in an absent or disrupted protein product. Loss-of-function variants in AIRE are known to be pathogenic (PMID: 11524731, 26141571).

Literature cited by the submitters: PubMed 11524731; PubMed 26141571.

NC_000021.9:g.44288345_44288346del

Gene: AIRE (autoimmune regulator; plus strand). Cytogenetic location: 21q22.3.
Variant type: Deletion.
Genome position: GRCh38 VCF-style: chr21-44288343-AGG-A. GRCh37 (hg19) VCF-style: chr21-45708226-AGG-A.
Identifiers: ClinVar variation 2012133 (VCV002012133.5), dbSNP rs2040502869, ClinGen allele CA2391566121.